The following is an entry in ClinVar:

ClinVar aggregate classification (germline): Conflicting classifications of pathogenicity. Review status: criteria provided, conflicting classifications (1 of 4 stars). 3 submissions from 3 submitters: Uncertain significance (2); Likely benign (1). Last evaluated 2025-08-05.

Conditions:
Cerebral palsy, spastic quadriplegic, 2 (CPSQ2). Identifiers: Orphanet 210141, MedGen C2752061, MONDO:0013033, OMIM 612900.

Allele frequency attached by ClinVar (database versions not stated): ESP Exome Variant Server 0.00015.
gnomAD v4.1: 26 of 1,613,982 alleles (0.0016%); highest among the groups gnomAD compares: African/African-American, 0.031%; no homozygotes.

Submissions (4):

Ambry Genetics
Classification: Likely benign. Last evaluated: 2025-08-05. Review status: criteria provided, single submitter. Criteria: Ambry Variant Classification Scheme 2023. Collection method: clinical testing. Allele origin: germline.

Fulgent Genetics
Classification: Uncertain significance for Cerebral palsy, spastic quadriplegic, 2. Last evaluated: 2022-02-27. Review status: criteria provided, single submitter. Criteria: ACMG Guidelines, 2015. Collection method: clinical testing. Allele origin: unknown.

Labcorp Genetics (formerly Invitae), Labcorp
Classification: Uncertain significance. Last evaluated: 2021-07-14. Review status: criteria provided, single submitter. Criteria: Invitae Variant Classification Sherloc (09022015). Collection method: clinical testing. Allele origin: germline.
Comment: Algorithms developed to predict the effect of missense changes on protein structure and function output the following: SIFT: "Tolerated"; PolyPhen-2: "Benign"; Align-GVGD: "Class C0". The glutamine amino acid residue is found in multiple mammalian species, which suggests that this missense change does not adversely affect protein function. Algorithms developed to predict the effect of sequence changes on RNA splicing suggest that this variant may create or strengthen a splice site. In summary, the available evidence is currently insufficient to determine the role of this variant in disease. Therefore, it has been classified as a Variant of Uncertain Significance. This variant has not been reported in the literature in individuals affected with KANK1-related conditions. This sequence change replaces glutamic acid with glutamine at codon 1176 of the KANK1 protein (p.Glu1176Gln). The glutamic acid residue is moderately conserved and there is a small physicochemical difference between glutamic acid and glutamine. This variant is present in population databases (rs200239036, ExAC 0.03%).

Dr. Peter K. Rogan Lab, Western University
No classification provided (evidence only). Condition: Thyroid cancer, nonmedullary, 1. Review status: no classification provided. Collection method: in vitro. Allele origin: not applicable. Functional consequence: skipped exon. Not counted in ClinVar's aggregate classification.

NM_015158.5(KANK1):c.3526G>C (p.Glu1176Gln)

Genes: KANK1 (KN motif and ankyrin repeat domains 1; plus strand), LOC126860554 (MED14-independent group 3 enhancer GRCh37_chr9:737889-739088; plus strand). Cytogenetic location: 9p24.3.
Variant type: single nucleotide variant.
Coding change: c.3526G>C on transcript NM_015158.5 (MANE Select); coding-DNA position 3526, G replaced by C.
Protein change: p.Glu1176Gln; replaces glutamic acid 1176 with glutamine.
Molecular consequence: missense variant. On other transcripts: non-coding transcript variant (1).
Genome position (GRCh38, 1-based): chr9:738,477, G>C. VCF-style: chr9-738477-G-C. GRCh37 (hg19) VCF-style: chr9-738477-G-C.
Other names: c.3526G>C, p.Glu1176Gln (NM_001256876.3, NM_001256877.3, NM_001354334.2); c.3286G>C, p.Glu1096Gln (NM_001354331.2); c.3472G>C, p.Glu1158Gln (NM_001354332.2); c.3052G>C, p.Glu1018Gln (NM_001354333.2, NM_001354335.2, NM_001354337.2 and 2 more transcripts); c.2758G>C, p.Glu920Gln (NM_001354336.2); c.2998G>C, p.Glu1000Gln (NM_001354338.2, NM_001354340.2, NM_001354344.2); c.2812G>C, p.Glu938Gln (NM_001354339.2, NM_001354342.2, NM_001354343.2); c.3526G>C (NM_015158.2); short protein forms E1158Q, E1000Q, E1018Q, E920Q, E1176Q, E1096Q, E938Q.
Identifiers: ClinVar variation 1408704 (VCV001408704.12), dbSNP rs200239036, ClinGen allele CA4960989.